The following is an entry in ClinVar:

ClinVar aggregate classification (germline): Uncertain significance (1 of 4 stars; one submission).

Allele frequency attached by ClinVar (database versions not stated): gnomAD 0.00003; ESP Exome Variant Server 0.00008.
gnomAD v4.1: 13 of 1,604,066 alleles (0.00081%); highest among the groups gnomAD compares: Middle Eastern, 0.034%; no homozygotes.

Submission:

Labcorp Genetics (formerly Invitae), Labcorp
Classification: Uncertain significance. Last evaluated: 2024-11-24. Review status: criteria provided, single submitter. Criteria: Invitae Variant Classification Sherloc (09022015). Collection method: clinical testing. Allele origin: germline.
Comment: This sequence change replaces aspartic acid, which is acidic and polar, with glutamic acid, which is acidic and polar, at codon 14 of the TNNI3K protein (p.Asp14Glu). This variant is present in population databases (rs144055969, gnomAD 0.02%). This variant has not been reported in the literature in individuals affected with TNNI3K-related conditions. ClinVar contains an entry for this variant (Variation ID: 2181674). An algorithm developed to predict the effect of missense changes on protein structure and function (PolyPhen-2) suggests that this variant is likely to be disruptive. Algorithms developed to predict the effect of sequence changes on RNA splicing suggest that this variant may create or strengthen a splice site. In summary, the available evidence is currently insufficient to determine the role of this variant in disease. Therefore, it has been classified as a Variant of Uncertain Significance.

NM_015978.3(TNNI3K):c.42T>A (p.Asp14Glu)

Genes: FPGT-TNNI3K (FPGT-TNNI3K readthrough; plus strand), TNNI3K (TNNI3 interacting kinase; plus strand). Cytogenetic location: 1p31.1.
Variant type: single nucleotide variant.
Coding change: c.42T>A on transcript NM_015978.3 (MANE Select); coding-DNA position 42, T replaced by A.
Protein change: p.Asp14Glu; replaces aspartic acid 14 with glutamic acid.
Molecular consequence: missense variant.
Genome position (GRCh38, 1-based): chr1:74,236,103, T>A. VCF-style: chr1-74236103-T-A. GRCh37 (hg19) VCF-style: chr1-74701787-T-A.
Other names: c.345T>A, p.Asp115Glu (NM_001112808.3, NM_001199327.2); short protein forms D14E, D115E.
Identifiers: ClinVar variation 2181674 (VCV002181674.4), dbSNP rs144055969, ClinGen allele CA908752.
Genomic context (GRCh38, chr1:74,236,103, plus strand): 5'-TGTGTCTACATTTTGCAAAACACAACTATGAATCAATCTCATTTGTTCTTCTTTACTAGA[T>A]GAATGGAAGAAAAAAGTCAGTGAATCATATGTTATCACAATAGAAAGATTAGAAGATGAC-3'
Protein context (NP_057062.1, residues 4-24): YKSRPTQTCT[Asp14Glu]EWKKKVSESY